The following is an entry in ClinVar:

ClinVar aggregate classification (germline): Uncertain significance (1 of 4 stars; one submission).

Conditions:
Progressive sclerosing poliodystrophy (MTDPS4A). Also called: NEURONAL DEGENERATION OF CHILDHOOD WITH LIVER DISEASE, PROGRESSIVE; Alpers Syndrome; Alpers-Huttenlocher Syndrome (AHS); ALPERS PROGRESSIVE INFANTILE POLIODYSTROPHY; Mitochondrial DNA Depletion Syndrome 4A; ALPERS DIFFUSE DEGENERATION OF CEREBRAL GRAY MATTER WITH HEPATIC CIRRHOSIS. Identifiers: Orphanet 726, MedGen C0205710, MONDO:0008758, OMIM 203700.

Submission:

Labcorp Genetics (formerly Invitae), Labcorp
Classification: Uncertain significance for Progressive sclerosing poliodystrophy. Last evaluated: 2025-08-29. Review status: criteria provided, single submitter. Criteria: Invitae Variant Classification Sherloc (09022015). Collection method: clinical testing. Allele origin: germline.
Comment: This variant, c.1242_1244del, results in the deletion of 1 amino acid(s) of the POLG protein (p.Phe414del), but otherwise preserves the integrity of the reading frame. This variant is not present in population databases (gnomAD no frequency). This variant has been observed in individual(s) with mitochondrial neurogastrointestinal encephalopathy (PMID: 30423451). ClinVar contains an entry for this variant (Variation ID: 846630). Experimental studies and prediction algorithms are not available or were not evaluated, and the functional significance of this variant is currently unknown. In summary, the available evidence is currently insufficient to determine the role of this variant in disease. Therefore, it has been classified as a Variant of Uncertain Significance.

Literature cited by the submitters: PubMed 30423451.

NM_002693.3(POLG):c.1239CTT[1] (p.Phe414del)

Gene: POLG (DNA polymerase gamma, catalytic subunit; minus strand). Cytogenetic location: 15q26.1.
Variant type: Microsatellite.
Coding change: c.1239CTT[1] on transcript NM_002693.3 (MANE Select); one copy of the 3-base unit CTT starting at c.1239; the reference has two copies in a row; one copy, 3 bases deleted.
Protein change: p.Phe414del; deletes phenylalanine 414.
Molecular consequence: inframe deletion.
Genome position (GRCh38, 1-based): chr15:89,328,462-89,328,464, AAG deleted on the plus strand (CTT on the coding strand, the reverse complement: POLG is on the minus strand); deleting any 3 consecutive bases within chr15:89,328,462-89,328,468 gives the same sequence; the position shown is the placement nearest the transcript's 3' end. VCF-style (leftmost placement, unchanged base first): chr15-89328461-CAAG-C. GRCh37 (hg19) VCF-style: chr15-89871692-CAAG-C.
Other names: c.1239CTT[1], p.Phe414del (NM_001126131.2); short protein forms F414del.
Identifiers: ClinVar variation 846630 (VCV000846630.3), dbSNP rs2055551786, ClinGen allele CA916083446.
Genomic context (GRCh38, chr15:89,328,461, plus strand): 5'-CCGGGTACCAGGAACACACTGACCCCCAGAGATTCCCACATGGGCTCCCCCTCACCTCTC[CAAG>C]AAGAGCGGTAGCTGCTGCTGGAAAACCTCATGGGTGGCCCACACGTCCTGGGCACAGTAC-3'